The following is an entry in ClinVar:

NM_001365999.1(SZT2):c.2614T>C (p.Phe872Leu)

Gene: SZT2 (SZT2 subunit of KICSTOR complex; plus strand). Cytogenetic location: 1p34.2.
Variant type: single nucleotide variant.
Coding change: c.2614T>C on transcript NM_001365999.1 (MANE Select); coding-DNA position 2614, T replaced by C.
Protein change: p.Phe872Leu; replaces phenylalanine 872 with leucine.
Molecular consequence: missense variant.
Genome position (GRCh38, 1-based): chr1:43,425,176, T>C. VCF-style: chr1-43425176-T-C. GRCh37 (hg19) VCF-style: chr1-43890847-T-C.
Other names: c.2614T>C, p.Phe872Leu (NM_015284.4); short protein forms F872L.
Identifiers: ClinVar variation 1950615 (VCV001950615.4), dbSNP rs1652987155, ClinGen allele CA340013773.

ClinVar aggregate classification (germline): Uncertain significance (1 of 4 stars; one submission).

Allele frequency attached by ClinVar (database versions not stated): gnomAD exomes below 0.00001; TOPMed 0.00001.
gnomAD v4.1: 2 of 1,614,152 alleles (0.00012%); highest among the groups gnomAD compares: African/African-American, 0.0013%; no homozygotes.

Submission:

Labcorp Genetics (formerly Invitae), Labcorp
Classification: Uncertain significance. Last evaluated: 2022-07-12. Review status: criteria provided, single submitter. Criteria: Invitae Variant Classification Sherloc (09022015). Collection method: clinical testing. Allele origin: germline.
Comment: This variant is not present in population databases (gnomAD no frequency). This sequence change replaces phenylalanine, which is neutral and non-polar, with leucine, which is neutral and non-polar, at codon 872 of the SZT2 protein (p.Phe872Leu). This variant has not been reported in the literature in individuals affected with SZT2-related conditions. Algorithms developed to predict the effect of missense changes on protein structure and function are either unavailable or do not agree on the potential impact of this missense change (SIFT: "Deleterious"; PolyPhen-2: "Probably Damaging"; Align-GVGD: "Class C15"). In summary, the available evidence is currently insufficient to determine the role of this variant in disease. Therefore, it has been classified as a Variant of Uncertain Significance.